The following is an entry in ClinVar:

ClinVar aggregate classification (germline): Conflicting classifications of pathogenicity. Review status: criteria provided, conflicting classifications (1 of 4 stars). 5 submissions from 5 submitters: Uncertain significance (4); Likely benign (1). Last evaluated 2024-09-23.

Conditions:
Connective tissue disorder. Also called: Connective tissue disease. Identifiers: MedGen C0009782, MONDO:0003900.
Stüve-Wiedemann syndrome 1. Also called: STUVE-WIEDEMANN/SCHWARTZ-JAMPEL TYPE 2 SYNDROME. Identifiers: Orphanet 3206, MedGen C5676888, MONDO:0800043, OMIM 601559.

Allele frequency attached by ClinVar (database versions not stated): ESP Exome Variant Server 0.00015; ExAC 0.00021; gnomAD exomes 0.00023 and 0.00036; TOPMed 0.00023; gnomAD 0.00029 and 0.00031; 1000 Genomes Project 30x 0.00031; 1000 Genomes Project 0.00040.
gnomAD v4.1: 586 of 1,612,946 alleles (0.036%); highest among the groups gnomAD compares: Middle Eastern, 0.26%; 3 homozygotes.

Submissions (5):

Blueprint Genetics
Classification: Likely benign. Last evaluated: 2024-09-23. Review status: criteria provided, single submitter. Criteria: ACMG Guidelines, 2015. Collection method: clinical testing. Allele origin: germline.

CeGaT Center for Human Genetics Tuebingen
Classification: Uncertain significance. Last evaluated: 2024-08-01. Review status: criteria provided, single submitter. Criteria: CeGaT Center For Human Genetics Tuebingen Variant Classification Criteria Version 2. Collection method: clinical testing. Allele origin: germline. Affected: yes. Observed: 1 variant allele.
Comment: LIFR: PM2, BP4

Labcorp Genetics (formerly Invitae), Labcorp
Classification: Uncertain significance. Last evaluated: 2022-10-25. Review status: criteria provided, single submitter. Criteria: Invitae Variant Classification Sherloc (09022015). Collection method: clinical testing. Allele origin: germline.
Comment: This sequence change replaces aspartic acid, which is acidic and polar, with asparagine, which is neutral and polar, at codon 16 of the LIFR protein (p.Asp16Asn). This variant is present in population databases (rs61751713, gnomAD 0.03%). This variant has not been reported in the literature in individuals affected with LIFR-related conditions. ClinVar contains an entry for this variant (Variation ID: 1702462). Algorithms developed to predict the effect of missense changes on protein structure and function (SIFT, PolyPhen-2, Align-GVGD) all suggest that this variant is likely to be tolerated. In summary, the available evidence is currently insufficient to determine the role of this variant in disease. Therefore, it has been classified as a Variant of Uncertain Significance.

Department of Pathology and Laboratory Medicine, Sinai Health System
Classification: Uncertain significance for Stüve-Wiedemann syndrome 1. Last evaluated: 2022-04-13. Review status: criteria provided, single submitter. Criteria: ACMG Guidelines, 2015. Collection method: research. Allele origin: germline.

Genome Diagnostics Laboratory, The Hospital for Sick Children
Classification: Uncertain significance for Connective tissue disorder. Last evaluated: 2020-03-01. Review status: criteria provided, single submitter. Criteria: ACMG Guidelines, 2015. Collection method: clinical testing. Allele origin: germline.

NM_001127671.2(LIFR):c.46G>A (p.Asp16Asn)

Gene: LIFR (LIF receptor subunit alpha; minus strand). Cytogenetic location: 5p13.1.
Variant type: single nucleotide variant.
Coding change: c.46G>A on transcript NM_001127671.2 (MANE Select); coding-DNA position 46, G replaced by A.
Protein change: p.Asp16Asn; replaces aspartic acid 16 with asparagine.
Molecular consequence: missense variant.
Genome position (GRCh38, 1-based): chr5:38,530,602, C>T on the plus strand (G>A on the coding strand, the complement: LIFR is on the minus strand). VCF-style: chr5-38530602-C-T. GRCh37 (hg19) VCF-style: chr5-38530704-C-T.
Other names: c.46G>A, p.Asp16Asn (NM_001364297.2, NM_001364298.2, NM_002310.6); short protein forms D16N.
Identifiers: ClinVar variation 1702462 (VCV001702462.23), dbSNP rs61751713, ClinGen allele CA3243367.